The following is an entry in ClinVar:

ClinVar aggregate classification (germline): Uncertain significance (1 of 4 stars; one submission).

Submission:

GeneDx
Classification: Uncertain significance. Last evaluated: 2025-07-14. Review status: criteria provided, single submitter. Criteria: GeneDx Variant Classification Process June 2021. Collection method: clinical testing. Allele origin: germline. Affected: yes.
Comment: Not observed at significant frequency in large population cohorts (gnomAD); In silico analysis supports that this missense variant has a deleterious effect on protein structure/function; Has not been previously published as pathogenic or benign to our knowledge

NM_012330.4(KAT6B):c.5817T>G (p.His1939Gln)

Gene: KAT6B (lysine acetyltransferase 6B; plus strand). Cytogenetic location: 10q22.2.
Variant type: single nucleotide variant.
Coding change: c.5817T>G on transcript NM_012330.4 (MANE Select); coding-DNA position 5817, T replaced by G.
Protein change: p.His1939Gln; replaces histidine 1939 with glutamine.
Molecular consequence: missense variant.
Genome position (GRCh38, 1-based): chr10:75,030,641, T>G. VCF-style: chr10-75030641-T-G. GRCh37 (hg19) VCF-style: chr10-76790399-T-G.
Other names: c.4752T>G, p.His1584Gln (NM_001370144.1, NM_001370143.1); c.5268T>G, p.His1756Gln (NM_001256468.2, NM_001370138.1); c.4941T>G, p.His1647Gln (NM_001256469.2, NM_001370139.1, NM_001370140.1 and 2 more transcripts); c.4779T>G, p.His1593Gln (NM_001370132.1); c.4128T>G, p.His1376Gln (NM_001370133.1); c.3732T>G, p.His1244Gln (NM_001370134.1); c.3474T>G, p.His1158Gln (NM_001370135.1); c.5817T>G, p.His1939Gln (NM_001370136.1, NM_001370137.1); short protein forms H1158Q, H1244Q, H1376Q, H1584Q, H1593Q, H1647Q, H1756Q, H1939Q.
Identifiers: ClinVar variation 4686370 (VCV004686370.1).